The following is an entry in ClinVar:

ClinVar aggregate classification (germline): Conflicting classifications of pathogenicity. Review status: criteria provided, conflicting classifications (1 of 4 stars). 4 submissions from 4 submitters: Uncertain significance (2); Likely benign (2). Last evaluated 2026-07-07.

Conditions:
Cardiomyopathy (CMYO). Also called: Cardiomyopathies. Identifiers: Orphanet 167848, MedGen C0878544, MONDO:0004994, HP:0001638. Inheritance: Various modes of inheritance.
Arrhythmogenic right ventricular cardiomyopathy (ARVD). Also called: Cardiomyopathy, ARVC; Arrhythmogenic Right Ventricular Cardiomyopathy (ARVC); Arrhythmogenic right ventricular dysplasia; Arrhythmogenic cardiomyopathy. Identifiers: Orphanet 247, MedGen C0349788, MeSH D019571, MONDO:0016587. Disease mechanism: loss of function. Inheritance: Various modes of inheritance.
Arrhythmogenic right ventricular dysplasia 10. Also called: Arrhythmogenic Right Ventricular Dysplasia/Cardiomyopathy10; ARRHYTHMOGENIC RIGHT VENTRICULAR DYSPLASIA, FAMILIAL, 10; Arrhythmogenic right ventricular dysplasia/cardiomyopathy, type 10. Identifiers: MedGen C1857777, MONDO:0012434, OMIM 610193.
Cardiovascular phenotype. Identifiers: MedGen CN230736.

Allele frequency attached by ClinVar (database versions not stated): gnomAD exomes below 0.00001 and 0.00001; ExAC 0.00002.
gnomAD v4.1: 2 of 1,614,222 alleles (0.00012%); highest among the groups gnomAD compares: East Asian, 0.0022%; no homozygotes.

Submissions (4):

Ambry Genetics
Classification: Uncertain significance for Cardiovascular phenotype. Last evaluated: 2026-07-07. Review status: criteria provided, single submitter. Criteria: Ambry Variant Classification Scheme 2023. Collection method: clinical testing. Allele origin: germline.
Comment: The p.I906V variant (also known as c.2716A>G), located in coding exon 15 of the DSG2 gene, results from an A to G substitution at nucleotide position 2716. The isoleucine at codon 906 is replaced by valine, an amino acid with highly similar properties. This amino acid position is conserved. In addition, this alteration is predicted to be tolerated by in silico analysis. Based on the available evidence, the clinical significance of this variant remains unclear.

Color Diagnostics, LLC DBA Color Health
Classification: Likely benign for Cardiomyopathy. Last evaluated: 2024-08-29. Review status: criteria provided, single submitter. Criteria: ACMG Guidelines, 2015. Collection method: clinical testing. Allele origin: germline.

All of Us Research Program, National Institutes of Health
Classification: Likely benign for Arrhythmogenic right ventricular cardiomyopathy. Last evaluated: 2024-03-05. Review status: criteria provided, single submitter. Criteria: ACMG Guidelines, 2015. Collection method: clinical testing. Allele origin: germline. Inheritance: Autosomal dominant inheritance. Observed: 1 variant allele, 1 heterozygote.
Comment: This study involves interpretation of variants in research participants for the purpose of population health screening. Participant phenotype was not available at the time of variant classification. Additional details can be found in publication PMID: 35346344, PMCID: PMC8962531

Labcorp Genetics (formerly Invitae), Labcorp
Classification: Uncertain significance for Arrhythmogenic right ventricular dysplasia 10. Last evaluated: 2022-09-22. Review status: criteria provided, single submitter. Criteria: Invitae Variant Classification Sherloc (09022015). Collection method: clinical testing. Allele origin: germline.
Comment: In summary, the available evidence is currently insufficient to determine the role of this variant in disease. Therefore, it has been classified as a Variant of Uncertain Significance. This variant has not been reported in the literature in individuals affected with DSG2-related conditions. ClinVar contains an entry for this variant (Variation ID: 808380). Advanced modeling of protein sequence and biophysical properties (such as structural, functional, and spatial information, amino acid conservation, physicochemical variation, residue mobility, and thermodynamic stability) performed at Invitae indicates that this missense variant is not expected to disrupt DSG2 protein function. This variant is present in population databases (rs748894535, gnomAD 0.006%). This sequence change replaces isoleucine, which is neutral and non-polar, with valine, which is neutral and non-polar, at codon 906 of the DSG2 protein (p.Ile906Val).

NM_001943.5(DSG2):c.2716A>G (p.Ile906Val)

Genes: DSG2 (desmoglein 2; plus strand), DSG2-AS1 (DSG2 antisense RNA 1; minus strand). Cytogenetic location: 18q12.1.
Variant type: single nucleotide variant.
Coding change: c.2716A>G on transcript NM_001943.5 (MANE Select); coding-DNA position 2716, A replaced by G.
Protein change: p.Ile906Val; replaces isoleucine 906 with valine.
Molecular consequence: missense variant.
Genome position (GRCh38, 1-based): chr18:31,546,102, A>G. VCF-style: chr18-31546102-A-G. GRCh37 (hg19) VCF-style: chr18-29126065-A-G.
Other names: c.2716A>G (NM_001943.3); short protein forms I906V.
Identifiers: ClinVar variation 808380 (VCV000808380.59), dbSNP rs748894535, ClinGen allele CA046935.
Genomic context (GRCh38, chr18:31,546,102, plus strand): 5'-AGTAGCTTCCCAGTTCCAAAATCTTTGCAAGAAGCCAATGCAGAGAAAGTAACTCAGGAA[A>G]TAGTCACTGAAAGATCTGTGTCTTCTAGGCAGGCGCAAAAGGTAGCTACACCTCTTCCTG-3'
Protein context (NP_001934.2, residues 896-916): EANAEKVTQE[Ile906Val]VTERSVSSRQ